The following is an entry in ClinVar:

NM_130384.3(ATRIP):c.1217G>A (p.Arg406Lys)

Genes: ATRIP (ATR interacting protein; plus strand), ATRIP-TREX1 (ATRIP-TREX1 readthrough; plus strand). Cytogenetic location: 3p21.31.
Variant type: single nucleotide variant.
Coding change: c.1217G>A on transcript NM_130384.3 (MANE Select); coding-DNA position 1217, G replaced by A.
Protein change: p.Arg406Lys; replaces arginine 406 with lysine.
Molecular consequence: missense variant. On other transcripts: non-coding transcript variant (1).
Genome position (GRCh38, 1-based): chr3:48,460,271, G>A. VCF-style: chr3-48460271-G-A. GRCh37 (hg19) VCF-style: chr3-48501670-G-A.
Other names: c.836G>A, p.Arg279Lys (NM_001271022.2); c.938G>A, p.Arg313Lys (NM_001271023.2); c.1217G>A, p.Arg406Lys (NM_032166.4); short protein forms R279K, R313K, R406K.
Identifiers: ClinVar variation 3809905 (VCV003809905.1).

ClinVar aggregate classification (germline): Uncertain significance (1 of 4 stars; one submission).

Submission:

Ambry Genetics
Classification: Uncertain significance. Last evaluated: 2025-01-16. Review status: criteria provided, single submitter. Criteria: Ambry Variant Classification Scheme 2023. Collection method: clinical testing. Allele origin: germline.
Comment: The p.R406K variant (also known as c.1217G>A), located in coding exon 8 of the ATRIP gene, results from a G to A substitution at nucleotide position 1217. The arginine at codon 406 is replaced by lysine, an amino acid with highly similar properties. This amino acid position is conserved. In addition, this alteration is predicted to be tolerated by in silico analysis. Based on the available evidence, the clinical significance of this variant remains unclear.